The following is an entry in ClinVar:

ClinVar aggregate classification (germline): Uncertain significance. Review status: criteria provided, multiple submitters, no conflicts (2 of 4 stars). 4 submissions from 4 submitters: Uncertain significance (3). 1 of the submissions does not count toward it. Last evaluated 2026-05-26.

Conditions:
Inborn genetic diseases. Identifiers: MedGen C0950123, MeSH D030342.
Congenital myasthenic syndrome 4A. Also called: CONGENITAL MYASTHENIC SYNDROME TYPE Ia1; MYASTHENIC SYNDROME, CONGENITAL, 4A, SLOW-CHANNEL, AUTOSOMAL RECESSIVE; Myasthenic syndrome, congenital, 4a, slow-channel. Identifiers: Orphanet 590, MedGen C4225413, MONDO:0011600, OMIM 605809.
Congenital myasthenic syndrome (CMS). Also called: Congenital Myasthenic Syndromes. Identifiers: Orphanet 590, MedGen C0751882, MeSH D020294, MONDO:0018940.

Allele frequency attached by ClinVar (database versions not stated): gnomAD exomes 0.00007 and 0.00013; gnomAD 0.00008; ExAC 0.00004; TOPMed 0.00008.
gnomAD v4.1: 194 of 1,613,974 alleles (0.012%); highest among the groups gnomAD compares: Non-Finnish European, 0.015%; 1 homozygote.

Submissions (4):

Ambry Genetics
Classification: Uncertain significance for Inborn genetic diseases. Last evaluated: 2026-05-26. Review status: criteria provided, single submitter. Criteria: Ambry Variant Classification Scheme 2023. Collection method: clinical testing. Allele origin: germline.
Comment: The c.820A>G (p.T274A) alteration is located in exon 8 (coding exon 8) of the CHRNE gene. This alteration results from a A to G substitution at nucleotide position 820, causing the threonine (T) at amino acid position 274 to be replaced by an alanine (A). Based on data from gnomAD, the G allele has an overall frequency of 0.006% (18/281584) total alleles studied. The highest observed frequency was 0.014% (1/7210) of Other alleles. Based on insufficient or conflicting evidence, the clinical significance of this alteration remains unclear.

Labcorp Genetics (formerly Invitae), Labcorp
Classification: Uncertain significance for Congenital myasthenic syndrome 4A. Last evaluated: 2024-04-08. Review status: criteria provided, single submitter. Criteria: Invitae Variant Classification Sherloc (09022015). Collection method: clinical testing. Allele origin: germline.
Comment: This sequence change replaces threonine, which is neutral and polar, with alanine, which is neutral and non-polar, at codon 274 of the CHRNE protein (p.Thr274Ala). This variant is present in population databases (rs774407731, gnomAD 0.01%). This variant has not been reported in the literature in individuals affected with CHRNE-related conditions. ClinVar contains an entry for this variant (Variation ID: 323988). Advanced modeling of protein sequence and biophysical properties (such as structural, functional, and spatial information, amino acid conservation, physicochemical variation, residue mobility, and thermodynamic stability) has been performed at Invitae for this missense variant, however the output from this modeling did not meet the statistical confidence thresholds required to predict the impact of this variant on CHRNE protein function. In summary, the available evidence is currently insufficient to determine the role of this variant in disease. Therefore, it has been classified as a Variant of Uncertain Significance.

Illumina Laboratory Services, Illumina
Classification: Uncertain significance for Congenital myasthenic syndrome. Last evaluated: 2018-01-12. Review status: criteria provided, single submitter. Criteria: ICSL Variant Classification Criteria 13 December 2019. Collection method: clinical testing. Allele origin: germline.

Natera, Inc.
Classification: Uncertain significance for Congenital myasthenic syndrome. Last evaluated: 2020-09-16. Review status: no assertion criteria provided. Collection method: clinical testing. Allele origin: germline. Not counted in ClinVar's aggregate classification.

NM_000080.4(CHRNE):c.820A>G (p.Thr274Ala)

Genes: C17orf107 (chromosome 17 open reading frame 107; plus strand), CHRNE (cholinergic receptor nicotinic epsilon subunit; minus strand). Cytogenetic location: 17p13.2.
Variant type: single nucleotide variant.
Coding change: c.820A>G on transcript NM_000080.4 (MANE Select); coding-DNA position 820, A replaced by G.
Protein change: p.Thr274Ala; replaces threonine 274 with alanine.
Molecular consequence: missense variant. On other transcripts: 3 prime UTR variant (1).
Genome position (GRCh38, 1-based): chr17:4,900,890, T>C on the plus strand (A>G on the coding strand, the complement: CHRNE is on the minus strand). VCF-style: chr17-4900890-T-C. GRCh37 (hg19) VCF-style: chr17-4804185-T-C.
Other names: c.*357T>C (NM_001145536.2); short protein forms T274A.
Identifiers: ClinVar variation 323988 (VCV000323988.13), dbSNP rs774407731, ClinGen allele CA8314236.
Genomic context (GRCh38, chr17:4,900,890, plus strand): 5'-TTTTCTGGGCAATGAGGAACAAGAAGACGGTCTGGGCGAGCAGGACGTTGATGGAGACCG[T>C]GCATTTCTGGCCGCCGGCTGGAGGGAGAGCCAGTGAGAGCGGGCCCCGCCTCCCGGGAGC-3'
Protein context (NP_000071.1, residues 264-284): LPAQAGGQKC[Thr274Ala]VSINVLLAQT